The following is an entry in ClinVar:

NM_000059.4(BRCA2):c.6407dup (p.Leu2136fs)

Gene: BRCA2 (BRCA2 DNA repair associated; plus strand). Cytogenetic location: 13q13.1.
Variant type: Duplication.
Coding change: c.6407dup on transcript NM_000059.4 (MANE Select); coding-DNA position 6407, one base duplicated (T; older notation c.6407dupT).
Protein change: p.Leu2136fs; shifts the reading frame from leucine 2136.
Molecular consequence: frameshift variant. On other transcripts: non-coding transcript variant (1), intron variant (2).
Genome position (GRCh38, 1-based): chr13:32,340,762, T duplicated; the last of 2 consecutive T bases (chr13:32,340,761-32,340,762); duplicating either gives the same sequence. VCF-style (leftmost placement, unchanged base first): chr13-32340760-C-CT. GRCh37 (hg19) VCF-style: chr13-32914897-C-CT.
Other names: c.6407dup, p.Leu2136fs (NM_001406719.1, NM_001406720.1); c.1910-3796dup (NM_001406721.1); c.425-3796dup (NM_001406722.1); short protein forms L2136fs.
Identifiers: ClinVar variation 2673995 (VCV002673995.1), dbSNP rs2548533222, ClinGen allele CA2695199698.

ClinVar aggregate classification (germline): Pathogenic (1 of 4 stars; one submission).

Conditions:
Breast-ovarian cancer, familial, susceptibility to, 2 (BROVCA2). Also called: BRCA2 Hereditary Breast and Ovarian Cancer. Identifiers: Orphanet 145, MedGen C2675520, MONDO:0012933, OMIM 612555. Disease mechanism: loss of function.

Submission:

Myriad Genetics, Inc.
Classification: Pathogenic for Breast-ovarian cancer, familial, susceptibility to, 2. Last evaluated: 2023-10-31. Review status: criteria provided, single submitter. Criteria: Myriad Autosomal Dominant, Autosomal Recessive and X-Linked Classification Criteria (2023). Collection method: clinical testing. Allele origin: unknown.
Comment: This variant is considered pathogenic. This variant creates a frameshift predicted to result in premature protein truncation.